The following is an entry in ClinVar:

NM_000384.3(APOB):c.5218A>G (p.Asn1740Asp)

Gene: APOB (apolipoprotein B; minus strand). Cytogenetic location: 2p24.1.
Variant type: single nucleotide variant.
Coding change: c.5218A>G on transcript NM_000384.3 (MANE Select); coding-DNA position 5218, A replaced by G.
Protein change: p.Asn1740Asp; replaces asparagine 1740 with aspartic acid.
Molecular consequence: missense variant.
Genome position (GRCh38, 1-based): chr2:21,011,650, T>C on the plus strand (A>G on the coding strand, the complement: APOB is on the minus strand). VCF-style: chr2-21011650-T-C. GRCh37 (hg19) VCF-style: chr2-21234522-T-C.
Other names: short protein forms N1740D.
Identifiers: ClinVar variation 3933922 (VCV003933922.2), dbSNP rs990156525.
Genomic context (GRCh38, chr2:21,011,650, plus strand): 5'-CAATGTTCAGACTGTTTGTGTGGTCAAATTTCATTTCAGCATATGAGCCCATCATGTCAT[T>C]TGAGAGCTTAAGTCCTTCTTGACTGACCTTGAAGTTGAAAATGTTTTTGCTGTCGACACC-3'
Protein context (NP_000375.3, residues 1730-1750): KVSQEGLKLS[Asn1740Asp]DMMGSYAEMK

ClinVar aggregate classification (germline): Uncertain significance (1 of 4 stars; one submission).

Conditions:
Cardiovascular phenotype. Identifiers: MedGen CN230736.

Allele frequency attached by ClinVar (database versions not stated): TOPMed 0.00001 and below 0.00001.
gnomAD v4.1: 5 of 1,614,192 alleles (0.00031%); highest among the groups gnomAD compares: Non-Finnish European, 0.00042%; no homozygotes.

Submission:

Ambry Genetics
Classification: Uncertain significance for Cardiovascular phenotype. Last evaluated: 2026-03-28. Review status: criteria provided, single submitter. Criteria: Ambry Variant Classification Scheme 2023. Collection method: clinical testing. Allele origin: germline.
Comment: The p.N1740D variant (also known as c.5218A>G), located in coding exon 26 of the APOB gene, results from an A to G substitution at nucleotide position 5218. The asparagine at codon 1740 is replaced by aspartic acid, an amino acid with highly similar properties. This amino acid position is conserved. In addition, this alteration is predicted to be tolerated by in silico analysis. Based on the available evidence, the clinical significance of this variant remains unclear.